The following is an entry in ClinVar:

ClinVar aggregate classification (germline): Uncertain significance (1 of 4 stars; one submission).

Conditions:
FBN2-related disorder. Also called: FBN2-related condition.

Submission:

PreventionGenetics, part of Exact Sciences
Classification: Uncertain significance for FBN2-related condition. Last evaluated: 2023-01-26. Review status: criteria provided, single submitter. Criteria: ACMG Guidelines, 2015. Collection method: clinical testing. Allele origin: germline.
Comment: The FBN2 c.6841A>G variant is predicted to result in the amino acid substitution p.Ile2281Val. To our knowledge, this variant has not been reported in the literature or in a large population database, indicating this variant is rare. At this time, the clinical significance of this variant is uncertain due to the absence of conclusive functional and genetic evidence.

NM_001999.4(FBN2):c.6841A>G (p.Ile2281Val)

Gene: FBN2 (fibrillin 2; minus strand). Cytogenetic location: 5q23.3.
Variant type: single nucleotide variant.
Coding change: c.6841A>G on transcript NM_001999.4 (MANE Select); coding-DNA position 6841, A replaced by G.
Protein change: p.Ile2281Val; replaces isoleucine 2281 with valine.
Molecular consequence: missense variant.
Genome position (GRCh38, 1-based): chr5:128,287,347, T>C on the plus strand (A>G on the coding strand, the complement: FBN2 is on the minus strand). VCF-style: chr5-128287347-T-C. GRCh37 (hg19) VCF-style: chr5-127623039-T-C.
Other names: short protein forms I2281V.
Identifiers: ClinVar variation 2630403 (VCV002630403.1), dbSNP rs115223340, ClinGen allele CA360759559.
Genomic context (GRCh38, chr5:128,287,347, plus strand): 5'-CTCCCGAGTCTGAGGCCTTACCTTTGCACATCTTTTGATCTTCCCTGAGGGCATAGCCAA[T>C]CGGGCACGTGCATTCATAGGACCCAAAAGTGTTCATGCAGCGGAAAGCACACAGCAGTGG-3'
Protein context (NP_001990.2, residues 2271-2291): TFGSYECTCP[Ile2281Val]GYALREDQKM